The following is an entry in ClinVar:

NM_015466.4(PTPN23):c.4196C>T (p.Thr1399Met)

Gene: PTPN23 (protein tyrosine phosphatase non-receptor type 23; plus strand). Cytogenetic location: 3p21.31.
Variant type: single nucleotide variant.
Coding change: c.4196C>T on transcript NM_015466.4 (MANE Select); coding-DNA position 4196, C replaced by T.
Protein change: p.Thr1399Met; replaces threonine 1399 with methionine.
Molecular consequence: missense variant.
Genome position (GRCh38, 1-based): chr3:47,412,300, C>T. VCF-style: chr3-47412300-C-T. GRCh37 (hg19) VCF-style: chr3-47453790-C-T.
Other names: c.3818C>T, p.Thr1273Met (NM_001304482.2); short protein forms T1273M, T1399M.
Identifiers: ClinVar variation 1953821 (VCV001953821.3), dbSNP rs1206430711, ClinGen allele CA352565896.

ClinVar aggregate classification (germline): Uncertain significance (1 of 4 stars; one submission).

Allele frequency attached by ClinVar (database versions not stated): gnomAD exomes 0.00001; TOPMed 0.00001.
gnomAD v4.1: 12 of 1,613,236 alleles (0.00074%); highest among the groups gnomAD compares: African/African-American, 0.0027%; no homozygotes.

Submission:

Labcorp Genetics (formerly Invitae), Labcorp
Classification: Uncertain significance. Last evaluated: 2022-04-18. Review status: criteria provided, single submitter. Criteria: Invitae Variant Classification Sherloc (09022015). Collection method: clinical testing. Allele origin: germline.
Comment: This sequence change replaces threonine, which is neutral and polar, with methionine, which is neutral and non-polar, at codon 1399 of the PTPN23 protein (p.Thr1399Met). This variant is present in population databases (no rsID available, gnomAD 0.01%). This variant has not been reported in the literature in individuals affected with PTPN23-related conditions. Algorithms developed to predict the effect of missense changes on protein structure and function are either unavailable or do not agree on the potential impact of this missense change (SIFT: "Deleterious"; PolyPhen-2: "Probably Damaging"; Align-GVGD: "Class C0"). In summary, the available evidence is currently insufficient to determine the role of this variant in disease. Therefore, it has been classified as a Variant of Uncertain Significance.